The following is an entry in ClinVar:

ClinVar aggregate classification (germline): Uncertain significance. Review status: criteria provided, multiple submitters, no conflicts (2 of 4 stars). 5 submissions from 5 submitters: Uncertain significance (5). Last evaluated 2026-01-21.

Conditions:
BMPR1A-related disorder. Also called: BMPR1A-related condition.
Juvenile polyposis syndrome (JPS). Identifiers: Orphanet 2929, MedGen C0345893, MONDO:0017380, OMIM 174900.
Hereditary cancer-predisposing syndrome. Also called: Tumor predisposition; Neoplastic Syndromes, Hereditary; Hereditary neoplastic syndrome; Hereditary Cancer Syndrome. Identifiers: Orphanet 140162, MedGen C0027672, MeSH D009386, MONDO:0015356.

Allele frequency attached by ClinVar (database versions not stated): gnomAD exomes below 0.00001.
gnomAD v4.1: 5 of 1,613,560 alleles (0.00031%); highest among the groups gnomAD compares: Non-Finnish European, 0.00042%; no homozygotes.

Submissions (5):

Labcorp Genetics (formerly Invitae), Labcorp
Classification: Uncertain significance for Juvenile polyposis syndrome. Last evaluated: 2026-01-21. Review status: criteria provided, single submitter. Criteria: Invitae Variant Classification Sherloc (09022015). Collection method: clinical testing. Allele origin: germline.
Comment: This sequence change replaces glycine, which is neutral and non-polar, with alanine, which is neutral and non-polar, at codon 34 of the BMPR1A protein (p.Gly34Ala). This variant is not present in population databases (gnomAD no frequency). This variant has not been reported in the literature in individuals affected with BMPR1A-related conditions. ClinVar contains an entry for this variant (Variation ID: 182064). Invitae Evidence Modeling of protein sequence and biophysical properties (such as structural, functional, and spatial information, amino acid conservation, physicochemical variation, residue mobility, and thermodynamic stability) indicates that this missense variant is not expected to disrupt BMPR1A protein function with a negative predictive value of 95%. In summary, the available evidence is currently insufficient to determine the role of this variant in disease. Therefore, it has been classified as a Variant of Uncertain Significance.

Ambry Genetics
Classification: Uncertain significance for Hereditary cancer-predisposing syndrome. Last evaluated: 2025-10-29. Review status: criteria provided, single submitter. Criteria: Ambry Variant Classification Scheme 2023. Collection method: clinical testing. Allele origin: germline.
Comment: The p.G34A variant (also known as c.101G>C), located in coding exon 2 of the BMPR1A gene, results from a G to C substitution at nucleotide position 101. The glycine at codon 34 is replaced by alanine, an amino acid with similar properties. This amino acid position is well conserved in available vertebrate species. In addition, this alteration is predicted to be tolerated by in silico analysis. Based on the available evidence, the clinical significance of this variant remains unclear.

PreventionGenetics, part of Exact Sciences
Classification: Uncertain significance for BMPR1A-related condition. Last evaluated: 2023-06-24. Review status: criteria provided, single submitter. Criteria: ACMG Guidelines, 2015. Collection method: clinical testing. Allele origin: germline.
Comment: The BMPR1A c.101G>C variant is predicted to result in the amino acid substitution p.Gly34Ala. To our knowledge, this variant has not been reported in the literature or in a large population database, indicating this variant is rare. In ClinVar, this variant is interpreted as uncertain. At this time, the clinical significance of this variant is uncertain due to the absence of conclusive functional and genetic evidence.

Blueprint Genetics
Classification: Uncertain significance. Last evaluated: 2022-12-28. Review status: criteria provided, single submitter. Criteria: ACMG Guidelines, 2015. Collection method: clinical testing. Allele origin: germline.

GeneDx
Classification: Uncertain significance. Last evaluated: 2014-08-26. Review status: criteria provided, single submitter. Criteria: GeneDx Variant Classification (06012015). Collection method: clinical testing. Allele origin: germline. Affected: yes.
Comment: This variant is denoted BMPR1A c.101G>C at the cDNA level, p.Gly34Ala (G34A) at the protein level, and results in the change of a Glycine to an Alanine (GGG>GCG). This variant has not, to our knowledge, been published in the literature as pathogenic or benign. BMPR1A Gly34Ala was not observed in approximately 6,500 individuals of European and African American ancestry in the NHLBI Exome Sequencing Project, indicating it is not a common benign variant in these populations. Since Glycine and Alanine share similar properties, this is considered a conservative amino acid substitution. BMPR1A Gly34Ala occurs at a position that is moderately conserved through vertebrates and is located in the topological domain and the signal peptide region (UniProt, Howe 2004). In silico analyses are inconsistent regarding the effect this variant may have on protein structure and function. Based on currently available information, it is unclear whether BMPR1A Gly34Ala is pathogenic or benign. We consider it to be a variant of uncertain significance.

NM_004329.3(BMPR1A):c.101G>C (p.Gly34Ala)

Gene: BMPR1A (bone morphogenetic protein receptor type 1A; plus strand). Cytogenetic location: 10q23.2.
Variant type: single nucleotide variant.
Coding change: c.101G>C on transcript NM_004329.3 (MANE Select); coding-DNA position 101, G replaced by C.
Protein change: p.Gly34Ala; replaces glycine 34 with alanine.
Molecular consequence: missense variant.
Genome position (GRCh38, 1-based): chr10:86,890,095, G>C. VCF-style: chr10-86890095-G-C. GRCh37 (hg19) VCF-style: chr10-88649852-G-C.
Other names: p.G34A:GGG>GCG; short protein forms G34A.
Identifiers: ClinVar variation 182064 (VCV000182064.16), dbSNP rs730881430, ClinGen allele CA298505.